The following is an entry in ClinVar:

NM_001267550.2(TTN):c.30487del (p.Ala10163fs)

Gene: TTN (titin; minus strand). Cytogenetic location: 2q31.2.
Variant type: Deletion.
Coding change: c.30487del on transcript NM_001267550.2 (MANE Select); coding-DNA position 30487, one base deleted (G; older notation c.30487delG).
Protein change: p.Ala10163fs; shifts the reading frame from alanine 10163.
Molecular consequence: frameshift variant. On other transcripts: intron variant (3).
Genome position (GRCh38, 1-based): chr2:178,702,192, C deleted on the plus strand (G on the coding strand, the reverse complement: TTN is on the minus strand); the first of 2 consecutive C bases (chr2:178,702,192-178,702,193); deleting either gives the same sequence. VCF-style (leftmost placement, unchanged base first): chr2-178702191-GC-G. GRCh37 (hg19) VCF-style: chr2-179566918-GC-G.
Other names: c.29536del, p.Ala9846fs (NM_001256850.1); c.26755del, p.Ala8919fs (NM_133378.4); c.13282+35890del (NM_003319.4); c.13858+35890del (NM_133437.4); c.13657+35890del (NM_133432.3); c.30487delG (NM_001267550.2); short protein forms A8919fs, A9846fs, A10163fs.
Identifiers: ClinVar variation 572834 (VCV000572834.9), dbSNP rs1560498923, ClinGen allele CA891843382.

ClinVar aggregate classification (germline): Uncertain significance (1 of 4 stars; one submission).

Conditions:
Dilated cardiomyopathy 1G (CMD1G). Identifiers: Orphanet 154, MedGen C1858763, MONDO:0011400, OMIM 604145.
Autosomal recessive limb-girdle muscular dystrophy type 2J (LGMDR10). Also called: Limb-girdle muscular dystrophy, type 2J; MUSCULAR DYSTROPHY, LIMB-GIRDLE, AUTOSOMAL RECESSIVE 10. Identifiers: Orphanet 140922, MedGen C1837342, MONDO:0012127, OMIM 608807.

Submission:

Labcorp Genetics (formerly Invitae), Labcorp
Classification: Uncertain significance for Dilated cardiomyopathy 1G; Autosomal recessive limb-girdle muscular dystrophy type 2J. Last evaluated: 2017-09-26. Review status: criteria provided, single submitter. Criteria: Invitae Variant Classification Sherloc (09022015). Collection method: clinical testing. Allele origin: germline.
Comment: This variant is not present in population databases (ExAC no frequency). This sequence change results in a premature translational stop signal in the TTN gene (p.Ala10163Glnfs*5). This variant has not been reported in the literature in individuals with TTN-related disease. In summary, although this is a novel truncating variant, truncating variants in this region of the TTN gene have been shown to be highly prevalent in the TTN gene in the general population and unaffected individuals (PMID: 26701604, 22335739). However, truncating mutations in this region have also been reported to cause autosomal recessive congenital myopathy (PMID: 23975875). Therefore without additional functional and/or genetic data, this variant has been classified as a Variant of Uncertain Significance.

Literature cited by the submitters: PubMed 26701604; PubMed 22335739; PubMed 23975875.